The following is an entry in ClinVar:

ClinVar aggregate classification (germline): Likely benign. Review status: criteria provided, single submitter (1 of 4 stars). 2 submissions from 2 submitters: Likely benign (1). 1 of the submissions does not count toward it. Last evaluated 2025-08-31.

Conditions:
SATB2-related disorder. Also called: SATB2-related condition.
Chromosome 2q32-q33 deletion syndrome (GLASS). Also called: Glass syndrome; 2q33.1 deletion syndrome. Identifiers: Orphanet 251019, MedGen C2676739, MONDO:0012864, OMIM 612313.

Allele frequency attached by ClinVar (database versions not stated): gnomAD exomes 0.00002 and 0.00008; gnomAD 0.00003 and 0.00005; TOPMed 0.00006; ExAC 0.00008.
gnomAD v4.1: 44 of 1,614,124 alleles (0.0027%); highest among the groups gnomAD compares: East Asian, 0.042%; no homozygotes.

Submissions (2):

Labcorp Genetics (formerly Invitae), Labcorp
Classification: Likely benign for Chromosome 2q32-q33 deletion syndrome. Last evaluated: 2025-08-31. Review status: criteria provided, single submitter. Criteria: Invitae Variant Classification Sherloc (09022015). Collection method: clinical testing. Allele origin: germline.

PreventionGenetics, part of Exact Sciences
Classification: Likely benign for SATB2-related condition. Last evaluated: 2019-04-15. Review status: no assertion criteria provided. Collection method: clinical testing. Allele origin: germline. Not counted in ClinVar's aggregate classification.
Comment: This variant is classified as likely benign based on ACMG/AMP sequence variant interpretation guidelines (Richards et al. 2015 PMID: 25741868, with internal and published modifications).

NM_001172509.2(SATB2):c.172T>C (p.Leu58=)

Gene: SATB2 (SATB homeobox 2; minus strand). Cytogenetic location: 2q33.1.
Variant type: single nucleotide variant.
Coding change: c.172T>C on transcript NM_001172509.2 (MANE Select); coding-DNA position 172, T replaced by C.
Protein change: p.Leu58=; no amino-acid change (leucine 58 retained).
Molecular consequence: synonymous variant. On other transcripts: non-coding transcript variant (1).
Genome position (GRCh38, 1-based): chr2:199,433,512, A>G on the plus strand (T>C on the coding strand, the complement: SATB2 is on the minus strand). VCF-style: chr2-199433512-A-G. GRCh37 (hg19) VCF-style: chr2-200298235-A-G.
Other names: c.172T>C, p.Leu58= (NM_001172517.1, NM_015265.4); c.172T>C (NM_015265.3).
Identifiers: ClinVar variation 1086059 (VCV001086059.11), dbSNP rs761710516, ClinGen allele CA2046144.